The following is an entry in ClinVar:

ClinVar aggregate classification (germline): Uncertain significance. Review status: criteria provided, multiple submitters, no conflicts (2 of 4 stars). 2 submissions from 2 submitters: Uncertain significance (2). Last evaluated 2025-07-08.

Conditions:
Familial thoracic aortic aneurysm and aortic dissection (TAAD). Also called: Thoracic aortic aneurysms and dissections. Identifiers: Orphanet 91387, MedGen C4707243, MONDO:0019625.

Allele frequency attached by ClinVar (database versions not stated): gnomAD exomes below 0.00001; ExAC 0.00001; gnomAD 0.00001; TOPMed 0.00001.
gnomAD v4.1: 5 of 1,610,706 alleles (0.00031%); highest among the groups gnomAD compares: African/African-American, 0.0013%; no homozygotes.

Submissions (2):

Ambry Genetics
Classification: Uncertain significance for Familial thoracic aortic aneurysm and aortic dissection. Last evaluated: 2025-07-08. Review status: criteria provided, single submitter. Criteria: Ambry Variant Classification Scheme 2023. Collection method: clinical testing. Allele origin: germline.
Comment: The p.T140I variant (also known as c.419C>T), located in coding exon 3 of the FBN2 gene, results from a C to T substitution at nucleotide position 419. The threonine at codon 140 is replaced by isoleucine, an amino acid with similar properties. This amino acid position is not well conserved in available vertebrate species. In addition, the in silico prediction for this alteration is inconclusive. Based on the available evidence, the clinical significance of this variant remains unclear.

CeGaT Center for Human Genetics Tuebingen
Classification: Uncertain significance. Last evaluated: 2020-03-01. Review status: criteria provided, single submitter. Criteria: CeGaT Center For Human Genetics Tuebingen Variant Classification Criteria Version 2. Collection method: clinical testing. Allele origin: germline. Affected: yes. Observed: 1 variant allele.

NM_001999.4(FBN2):c.419C>T (p.Thr140Ile)

Gene: FBN2 (fibrillin 2; minus strand). Cytogenetic location: 5q23.3.
Variant type: single nucleotide variant.
Coding change: c.419C>T on transcript NM_001999.4 (MANE Select); coding-DNA position 419, C replaced by T.
Protein change: p.Thr140Ile; replaces threonine 140 with isoleucine.
Molecular consequence: missense variant.
Genome position (GRCh38, 1-based): chr5:128,530,612, G>A on the plus strand (C>T on the coding strand, the complement: FBN2 is on the minus strand). VCF-style: chr5-128530612-G-A. GRCh37 (hg19) VCF-style: chr5-127866305-G-A.
Other names: c.419C>T (NM_001999.3); short protein forms T140I.
Identifiers: ClinVar variation 916480 (VCV000916480.41), dbSNP rs779952945, ClinGen allele CA3396123.
Genomic context (GRCh38, chr5:128,530,612, plus strand): 5'-CTTAAGAAAAATGCAGTGAAAAGGCCACAAGTAAGAAACATACTTGATTTTGATCCACAG[G>A]TTGATGATATTTGCCCACTGGAACAAGTACACATGTTAGGACGGGAACAAAATCCATCTC-3'
Protein context (NP_001990.2, residues 130-150): CTCSSGQISS[Thr140Ile]CGSKSIQQCS